The following is an entry in ClinVar:

ClinVar aggregate classification (germline): Likely benign. Review status: criteria provided, single submitter (1 of 4 stars). 2 submissions from 2 submitters: Likely benign (1). 1 of the submissions does not count toward it. Last evaluated 2023-12-12.

Conditions:
EIF2B5-related disorder. Also called: EIF2B5-related condition.

Allele frequency attached by ClinVar (database versions not stated): gnomAD exomes below 0.00001; gnomAD 0.00001; TOPMed 0.00002; ESP Exome Variant Server 0.00008.

Submissions (2):

Labcorp Genetics (formerly Invitae), Labcorp
Classification: Likely benign. Last evaluated: 2023-12-12. Review status: criteria provided, single submitter. Criteria: Invitae Variant Classification Sherloc (09022015). Collection method: clinical testing. Allele origin: germline.

PreventionGenetics, part of Exact Sciences
Classification: Likely benign for EIF2B5-related condition. Last evaluated: 2024-09-04. Review status: no assertion criteria provided. Collection method: clinical testing. Allele origin: germline. Not counted in ClinVar's aggregate classification.
Comment: This variant is classified as likely benign based on ACMG/AMP sequence variant interpretation guidelines (Richards et al. 2015 PMID: 25741868, with internal and published modifications).

NM_003907.3(EIF2B5):c.1302+8C>T

Gene: EIF2B5 (eukaryotic translation initiation factor 2B subunit epsilon; plus strand). Cytogenetic location: 3q27.1.
Variant type: single nucleotide variant.
Coding change: c.1302+8C>T on transcript NM_003907.3 (MANE Select); 8 bases into the intron after coding-DNA position 1302, C replaced by T.
Molecular consequence: intron variant.
Genome position (GRCh38, 1-based): chr3:184,142,078, C>T. VCF-style: chr3-184142078-C-T. GRCh37 (hg19) VCF-style: chr3-183859866-C-T.
Other names: c.1302+8C>T (NM_003907.2).
Identifiers: ClinVar variation 1079320 (VCV001079320.10), dbSNP rs370965660, ClinGen allele CA88843368.